The following is an entry in ClinVar:

NM_005219.5(DIAPH1):c.2507A>G (p.Glu836Gly)

Gene: DIAPH1 (diaphanous related formin 1; minus strand). Cytogenetic location: 5q31.3.
Variant type: single nucleotide variant.
Coding change: c.2507A>G on transcript NM_005219.5 (MANE Select); coding-DNA position 2507, A replaced by G.
Protein change: p.Glu836Gly; replaces glutamic acid 836 with glycine.
Molecular consequence: missense variant.
Genome position (GRCh38, 1-based): chr5:141,534,409, T>C on the plus strand (A>G on the coding strand, the complement: DIAPH1 is on the minus strand). VCF-style: chr5-141534409-T-C. GRCh37 (hg19) VCF-style: chr5-140913976-T-C.
Other names: c.2480A>G, p.Glu827Gly (NM_001079812.3); c.2507A>G, p.Glu836Gly (NM_001314007.2); short protein forms E836G, E827G.
Identifiers: ClinVar variation 2131832 (VCV002131832.4), dbSNP rs1353062899, ClinGen allele CA361588003.

ClinVar aggregate classification (germline): Uncertain significance (1 of 4 stars; one submission).

Conditions:
Autosomal dominant nonsyndromic hearing loss 1. Also called: DEAFNESS, AUTOSOMAL DOMINANT 1, WITH OR WITHOUT THROMBOCYTOPENIA; KONIGSMARK SYNDROME. Identifiers: Orphanet 90635, MedGen C1852282, MONDO:0007424, OMIM 124900.
Progressive microcephaly-seizures-cortical blindness-developmental delay syndrome. Also called: Seizures, cortical blindness, and microcephaly syndrome. Identifiers: Orphanet 477814, MedGen C5567650, MONDO:0014714, OMIM 616632.

Allele frequency attached by ClinVar (database versions not stated): gnomAD 0.00001.
gnomAD v4.1: 1 of 1,613,664 alleles (0.000062%); highest among the groups gnomAD compares: African/African-American, 0.0013%; no homozygotes.

Submission:

Labcorp Genetics (formerly Invitae), Labcorp
Classification: Uncertain significance for Progressive microcephaly-seizures-cortical blindness-developmental delay syndrome; Autosomal dominant nonsyndromic hearing loss 1. Last evaluated: 2022-06-08. Review status: criteria provided, single submitter. Criteria: Invitae Variant Classification Sherloc (09022015). Collection method: clinical testing. Allele origin: germline.
Comment: In summary, the available evidence is currently insufficient to determine the role of this variant in disease. Therefore, it has been classified as a Variant of Uncertain Significance. Algorithms developed to predict the effect of missense changes on protein structure and function (SIFT, PolyPhen-2, Align-GVGD) all suggest that this variant is likely to be tolerated. This variant has not been reported in the literature in individuals affected with DIAPH1-related conditions. This variant is present in population databases (no rsID available, gnomAD 0.01%). This sequence change replaces glutamic acid, which is acidic and polar, with glycine, which is neutral and non-polar, at codon 836 of the DIAPH1 protein (p.Glu836Gly).